The following is an entry in ClinVar:

ClinVar aggregate classification (germline): Uncertain significance (0 of 4 stars; one submission).

Conditions:
MAPKBP1-related disorder. Also called: MAPKBP1-related condition.

gnomAD v4.1: 2 of 1,613,366 alleles (0.00012%); highest among the groups gnomAD compares: South Asian, 0.0011%; no homozygotes.

Submission:

PreventionGenetics, part of Exact Sciences
Classification: Uncertain significance for MAPKBP1-related condition. Last evaluated: 2024-03-29. Review status: no assertion criteria provided. Collection method: clinical testing. Allele origin: germline.
Comment: The MAPKBP1 c.2885A>G variant is predicted to result in the amino acid substitution p.Asn962Ser. To our knowledge, this variant has not been reported in the literature. This variant is reported in 0.00088% of alleles in individuals of European (Non-Finnish) descent in gnomAD. At this time, the clinical significance of this variant is uncertain due to the absence of conclusive functional and genetic evidence.

NM_014994.3(MAPKBP1):c.2867A>G (p.Asn956Ser)

Gene: MAPKBP1 (mitogen-activated protein kinase binding protein 1; plus strand). Cytogenetic location: 15q15.1.
Variant type: single nucleotide variant.
Coding change: c.2867A>G on transcript NM_014994.3 (MANE Select); coding-DNA position 2867, A replaced by G.
Protein change: p.Asn956Ser; replaces asparagine 956 with serine.
Molecular consequence: missense variant. On other transcripts: non-coding transcript variant (2).
Genome position (GRCh38, 1-based): chr15:41,821,732, A>G. VCF-style: chr15-41821732-A-G. GRCh37 (hg19) VCF-style: chr15-42113930-A-G.
Other names: c.2885A>G, p.Asn962Ser (NM_001128608.2); c.2867A>G, p.Asn956Ser (NM_001265611.2); short protein forms N956S, N962S.
Identifiers: ClinVar variation 3346885 (VCV003346885.1).